The following is an entry in ClinVar:

ClinVar aggregate classification (germline): Uncertain significance (1 of 4 stars; one submission).

Conditions:
Hyperkalemic periodic paralysis. Also called: Familial hyperkalemic periodic paralysis; Gamstorp disease. Identifiers: Orphanet 682, MedGen C0238357, MONDO:0008224, OMIM 170500, HP:0007215.

Allele frequency attached by ClinVar (database versions not stated): gnomAD exomes below 0.00001 and 0.00001.

Submission:

Labcorp Genetics (formerly Invitae), Labcorp
Classification: Uncertain significance for Hyperkalemic periodic paralysis. Last evaluated: 2022-07-11. Review status: criteria provided, single submitter. Criteria: Invitae Variant Classification Sherloc (09022015). Collection method: clinical testing. Allele origin: germline.
Comment: This sequence change replaces methionine, which is neutral and non-polar, with threonine, which is neutral and polar, at codon 1250 of the SCN4A protein (p.Met1250Thr). This variant is present in population databases (no rsID available, gnomAD 0.004%). This variant has not been reported in the literature in individuals affected with SCN4A-related conditions. ClinVar contains an entry for this variant (Variation ID: 658308). Algorithms developed to predict the effect of missense changes on protein structure and function (SIFT, PolyPhen-2, Align-GVGD) all suggest that this variant is likely to be disruptive. In summary, the available evidence is currently insufficient to determine the role of this variant in disease. Therefore, it has been classified as a Variant of Uncertain Significance.

NM_000334.4(SCN4A):c.3749T>C (p.Met1250Thr)

Genes: GH-LCR (growth hormone locus control region; plus strand), SCN4A (sodium voltage-gated channel alpha subunit 4; minus strand). Cytogenetic location: 17q23.3.
Variant type: single nucleotide variant.
Coding change: c.3749T>C on transcript NM_000334.4 (MANE Select); coding-DNA position 3749, T replaced by C.
Protein change: p.Met1250Thr; replaces methionine 1250 with threonine.
Molecular consequence: missense variant.
Genome position (GRCh38, 1-based): chr17:63,945,032, A>G on the plus strand (T>C on the coding strand, the complement: SCN4A is on the minus strand). VCF-style: chr17-63945032-A-G. GRCh37 (hg19) VCF-style: chr17-62022392-A-G.
Other names: short protein forms M1250T.
Identifiers: ClinVar variation 658308 (VCV000658308.7), dbSNP rs1488191937, ClinGen allele CA400617592.